The following is an entry in ClinVar:

ClinVar aggregate classification (germline): Pathogenic (1 of 4 stars; one submission).

Allele frequency attached by ClinVar (database versions not stated): gnomAD exomes below 0.00001 and 0.00002; gnomAD 0.00001; ExAC 0.00002; TOPMed 0.00002; ESP Exome Variant Server 0.00008.

Submission:

Labcorp Genetics (formerly Invitae), Labcorp
Classification: Pathogenic. Last evaluated: 2025-12-27. Review status: criteria provided, single submitter. Criteria: Invitae Variant Classification Sherloc (09022015). Collection method: clinical testing. Allele origin: germline.
Comment: This sequence change creates a premature translational stop signal (p.Ser150Lysfs*11) in the TK2 gene. It is expected to result in an absent or disrupted protein product. Loss-of-function variants in TK2 are known to be pathogenic (PMID: 20421844). This variant is present in population databases (rs746907276, gnomAD 0.0009%). This variant has not been reported in the literature in individuals affected with TK2-related conditions. ClinVar contains an entry for this variant (Variation ID: 1414250). For these reasons, this variant has been classified as Pathogenic.

Literature cited by the submitters: PubMed 20421844.

NM_004614.5(TK2):c.447_448dup (p.Ser150fs)

Gene: TK2 (thymidine kinase 2; minus strand). Cytogenetic location: 16q21.
Variant type: Duplication.
Coding change: c.447_448dup on transcript NM_004614.5 (MANE Select); coding-DNA positions 447 to 448, 2 bases duplicated (AA; older notation c.447_448dupAA).
Protein change: p.Ser150fs; shifts the reading frame from serine 150.
Molecular consequence: frameshift variant. On other transcripts: non-coding transcript variant (1).
Genome position (GRCh38, 1-based): chr16:66,528,995-66,528,996, TT duplicated on the plus strand (AA on the coding strand, the reverse complement: TK2 is on the minus strand). VCF-style (leftmost placement, unchanged base first): chr16-66528994-C-CTT. GRCh37 (hg19) VCF-style: chr16-66562897-C-CTT.
Other names: c.354_355dup, p.Ser119fs (NM_001172643.1); c.372_373dup, p.Ser125fs (NM_001172644.2); c.393_394dup, p.Ser132fs (NM_001172645.2); c.300_301dup, p.Ser101fs (NM_001271934.2); c.354_355dup, p.Arg119fs (NM_001271935.1); c.156_157dup, p.Ser53fs (NM_001272050.2); short protein forms S101fs, S125fs, S150fs, R119fs, S119fs, S53fs, S132fs.
Identifiers: ClinVar variation 1414250 (VCV001414250.6), dbSNP rs746907276, ClinGen allele CA8093672.